The following is an entry in ClinVar:

NC_000018.9:g.(?_29078205)_(29102222_?)del

Gene: DSG2 (desmoglein 2; plus strand). Cytogenetic location: 18q12.1.
Variant type: Deletion.
Identifiers: ClinVar variation 3242752 (VCV003242752.1).

ClinVar aggregate classification (germline): Pathogenic (1 of 4 stars; one submission).

Conditions:
Arrhythmogenic right ventricular dysplasia 10. Also called: Arrhythmogenic Right Ventricular Dysplasia/Cardiomyopathy10; Arrhythmogenic right ventricular dysplasia/cardiomyopathy, type 10; ARRHYTHMOGENIC RIGHT VENTRICULAR DYSPLASIA, FAMILIAL, 10. Identifiers: MedGen C1857777, MONDO:0012434, OMIM 610193.

Submission:

Labcorp Genetics (formerly Invitae), Labcorp
Classification: Pathogenic for Arrhythmogenic right ventricular dysplasia 10. Last evaluated: 2022-03-05. Review status: criteria provided, single submitter. Criteria: Invitae Variant Classification Sherloc (09022015). Collection method: clinical testing. Allele origin: unknown.
Comment: For these reasons, this variant has been classified as Pathogenic. This variant has not been reported in the literature in individuals affected with DSG2-related conditions. This variant is a gross deletion of the genomic region encompassing exon(s) 1-6 of the DSG2 gene, which includes the initiator codon. This deletion extends beyond the assayed region for this gene and therefore may encompass additional genes. It is expected to result in an absent or disrupted protein product. Loss-of-function variants in DSG2 are known to be pathogenic (PMID: 17105751, 31386562).

Literature cited by the submitters: PubMed 17105751; PubMed 31386562.